The following is an entry in ClinVar:

ClinVar aggregate classification (germline): Likely benign (1 of 4 stars; one submission).

Submission:

CeGaT Center for Human Genetics Tuebingen
Classification: Likely benign. Last evaluated: 2024-10-01. Review status: criteria provided, single submitter. Criteria: CeGaT Center For Human Genetics Tuebingen Variant Classification Criteria Version 2. Collection method: clinical testing. Allele origin: germline. Affected: yes. Observed: 1 variant allele.
Comment: TTBK2: PM2:Supporting, BP4, BP7

NM_173500.4(TTBK2):c.2937C>G (p.Val979=)

Gene: TTBK2 (tau tubulin kinase 2; minus strand). Cytogenetic location: 15q15.2.
Variant type: single nucleotide variant.
Coding change: c.2937C>G on transcript NM_173500.4 (MANE Select); coding-DNA position 2937, C replaced by G.
Protein change: p.Val979=; no amino-acid change (valine 979 retained).
Molecular consequence: synonymous variant.
Genome position (GRCh38, 1-based): chr15:42,752,309, G>C on the plus strand (C>G on the coding strand, the complement: TTBK2 is on the minus strand). VCF-style: chr15-42752309-G-C. GRCh37 (hg19) VCF-style: chr15-43044507-G-C.
Identifiers: ClinVar variation 3389873 (VCV003389873.14).